The following is an entry in ClinVar:

NM_181675.4(PPP2R2B):c.-248G>A

Gene: PPP2R2B (protein phosphatase 2 regulatory subunit Bbeta; minus strand). Cytogenetic location: 5q32.
Variant type: single nucleotide variant.
Coding change: c.-248G>A on transcript NM_181675.4 (MANE Select); 248 bases upstream of the start codon, G replaced by A.
Molecular consequence: 5 prime UTR variant. On other transcripts: non-coding transcript variant (2), intron variant (6).
Genome position (GRCh38, 1-based): chr5:146,878,714, C>T on the plus strand (G>A on the coding strand, the complement: PPP2R2B is on the minus strand). VCF-style: chr5-146878714-C-T. GRCh37 (hg19) VCF-style: chr5-146258277-C-T.
Other names: c.-138G>A (NM_001127381.1); c.-761G>A (NM_001271948.2); c.51-519G>A (NM_001271900.2); c.79+176951G>A (NM_181676.3); c.75-519G>A (NM_181674.3); c.89-177572G>A (NM_001271899.1); c.-48-22131G>A (NM_181678.2); c.10+156455G>A (NM_181677.2).
Identifiers: ClinVar variation 3058567 (VCV003058567.2), dbSNP rs562613082, ClinGen allele CA129612437.

ClinVar aggregate classification (germline): Likely benign (0 of 4 stars; one submission).

Conditions:
PPP2R2B-related disorder. Also called: PPP2R2B-related condition.

Allele frequency attached by ClinVar (database versions not stated): gnomAD exomes 0.00004; gnomAD 0.00016; 1000 Genomes Project 30x 0.00062; 1000 Genomes Project 0.00100.

Submission:

PreventionGenetics, part of Exact Sciences
Classification: Likely benign for PPP2R2B-related condition. Last evaluated: 2020-04-27. Review status: no assertion criteria provided. Collection method: clinical testing. Allele origin: germline.
Comment: This variant is classified as likely benign based on ACMG/AMP sequence variant interpretation guidelines (Richards et al. 2015 PMID: 25741868, with internal and published modifications).